The following is an entry in ClinVar:

ClinVar aggregate classification (germline): Uncertain significance (1 of 4 stars; one submission).

Conditions:
Hereditary cancer-predisposing syndrome. Also called: Neoplastic Syndromes, Hereditary; Tumor predisposition; Hereditary Cancer Syndrome; Hereditary neoplastic syndrome. Identifiers: Orphanet 140162, MedGen C0027672, MeSH D009386, MONDO:0015356.

Submission:

Ambry Genetics
Classification: Uncertain significance for Hereditary cancer-predisposing syndrome. Last evaluated: 2025-10-13. Review status: criteria provided, single submitter. Criteria: Ambry Variant Classification Scheme 2023. Collection method: clinical testing. Allele origin: germline.
Comment: The p.R377G variant (also known as c.1129A>G), located in coding exon 4 of the AXIN2 gene, results from an A to G substitution at nucleotide position 1129. The arginine at codon 377 is replaced by glycine, an amino acid with dissimilar properties. This amino acid position is conserved. In addition, this alteration is predicted to be deleterious by in silico analysis. Based on the available evidence, the clinical significance of this variant remains unclear.

NM_004655.4(AXIN2):c.1129A>G (p.Arg377Gly)

Gene: AXIN2 (axin 2; minus strand). Cytogenetic location: 17q24.1.
Variant type: single nucleotide variant.
Coding change: c.1129A>G on transcript NM_004655.4 (MANE Select); coding-DNA position 1129, A replaced by G.
Protein change: p.Arg377Gly; replaces arginine 377 with glycine.
Molecular consequence: missense variant.
Genome position (GRCh38, 1-based): chr17:65,538,274, T>C on the plus strand (A>G on the coding strand, the complement: AXIN2 is on the minus strand). VCF-style: chr17-65538274-T-C. GRCh37 (hg19) VCF-style: chr17-63534392-T-C.
Other names: c.1129A>G, p.Arg377Gly (NM_001363813.1); short protein forms R377G.
Identifiers: ClinVar variation 4619631 (VCV004619631.1).